The following is an entry in ClinVar:

ClinVar aggregate classification (germline): Conflicting classifications of pathogenicity. Review status: criteria provided, conflicting classifications (1 of 4 stars). 4 submissions from 4 submitters: Uncertain significance (3); Likely benign (1). Last evaluated 2025-02-26.

Conditions:
Inborn genetic diseases. Identifiers: MedGen C0950123, MeSH D030342.
Fanconi anemia (FA). Also called: Fanconi's anemia. Identifiers: Orphanet 84, MedGen C0015625, MeSH D005199, MONDO:0019391.

Allele frequency attached by ClinVar (database versions not stated): TOPMed below 0.00001.
gnomAD v4.1: 1 of 1,612,950 alleles (0.000062%); highest among the groups gnomAD compares: Non-Finnish European, 0.000085%; no homozygotes.

Submissions (4):

Ambry Genetics
Classification: Likely benign for Inborn genetic diseases. Last evaluated: 2025-02-26. Review status: criteria provided, single submitter. Criteria: Ambry Variant Classification Scheme 2023. Collection method: clinical testing. Allele origin: germline.

Quest Diagnostics Nichols Institute San Juan Capistrano
Classification: Uncertain significance. Last evaluated: 2022-11-10. Review status: criteria provided, single submitter. Criteria: Quest Diagnostics criteria. Collection method: clinical testing. Allele origin: unknown.
Comment: It has not been reported in large, multi-ethnic general populations. In a large-scale breast cancer association study, the variant was observed in an individual with breast cancer (PMID: 33471991 (2021), see also LOVD). Analysis of this variant using bioinformatics tools for the prediction of the effect of amino acid changes on protein structure and function yielded predictions that this variant is benign. Based on the available information, we are unable to determine the clinical significance of this variant.

GeneDx
Classification: Uncertain significance. Last evaluated: 2022-10-26. Review status: criteria provided, single submitter. Criteria: GeneDx Variant Classification Process June 2021. Collection method: clinical testing. Allele origin: germline. Affected: yes.
Comment: Not observed at significant frequency in large population cohorts (gnomAD); In silico analysis supports that this missense variant does not alter protein structure/function; Has not been previously published as pathogenic or benign to our knowledge

Labcorp Genetics (formerly Invitae), Labcorp
Classification: Uncertain significance for Fanconi anemia. Last evaluated: 2021-08-30. Review status: criteria provided, single submitter. Criteria: Invitae Variant Classification Sherloc (09022015). Collection method: clinical testing. Allele origin: germline.
Comment: This sequence change replaces valine with methionine at codon 1214 of the FANCM protein (p.Val1214Met). The valine residue is weakly conserved and there is a small physicochemical difference between valine and methionine. This variant is not present in population databases (ExAC no frequency). This variant has not been reported in the literature in individuals affected with FANCM-related conditions. Algorithms developed to predict the effect of missense changes on protein structure and function output the following: SIFT: "Tolerated"; PolyPhen-2: "Benign"; Align-GVGD: "Class C0". The methionine amino acid residue is found in multiple mammalian species, which suggests that this missense change does not adversely affect protein function. In summary, the available evidence is currently insufficient to determine the role of this variant in disease. Therefore, it has been classified as a Variant of Uncertain Significance.

Literature cited by the submitters: PubMed 33471991 (cited by Quest Diagnostics Nichols Institute San Juan Capistrano).

NM_020937.4(FANCM):c.3640G>A (p.Val1214Met)

Gene: FANCM (FA complementation group M; plus strand). Cytogenetic location: 14q21.2.
Variant type: single nucleotide variant.
Coding change: c.3640G>A on transcript NM_020937.4 (MANE Select); coding-DNA position 3640, G replaced by A.
Protein change: p.Val1214Met; replaces valine 1214 with methionine.
Molecular consequence: missense variant.
Genome position (GRCh38, 1-based): chr14:45,176,394, G>A. VCF-style: chr14-45176394-G-A. GRCh37 (hg19) VCF-style: chr14-45645597-G-A.
Other names: c.3562G>A, p.Val1188Met (NM_001308133.2); c.3640G>A (NM_020937.3); short protein forms V1214M, V1188M.
Identifiers: ClinVar variation 958220 (VCV000958220.9), dbSNP rs1888701877, ClinGen allele CA389602407.